The following is an entry in ClinVar:

NM_000257.4(MYH7):c.4699C>T (p.Gln1567Ter)

Genes: MHRT (myosin heavy chain associated RNA transcript; plus strand), MYH7 (myosin heavy chain 7; minus strand), LOC126861897 (BRD4-independent group 4 enhancer GRCh37_chr14:23884455-23885654; plus strand). Cytogenetic location: 14q11.2.
Variant type: single nucleotide variant.
Coding change: c.4699C>T on transcript NM_000257.4 (MANE Select); coding-DNA position 4699, C replaced by T.
Protein change: p.Gln1567Ter; replaces glutamine 1567 with a stop codon.
Molecular consequence: nonsense. On other transcripts: non-coding transcript variant (1).
Genome position (GRCh38, 1-based): chr14:23,416,258, G>A on the plus strand (C>T on the coding strand, the complement: MYH7 is on the minus strand). VCF-style: chr14-23416258-G-A. GRCh37 (hg19) VCF-style: chr14-23885467-G-A.
Other names: c.4699C>T, p.Gln1567Ter (NM_001407004.1); short protein forms Q1567*.
Identifiers: ClinVar variation 859961 (VCV000859961.14), dbSNP rs1892204411, ClinGen allele CA389037829.

ClinVar aggregate classification (germline): Uncertain significance. Review status: criteria provided, multiple submitters, no conflicts (2 of 4 stars). 3 submissions from 3 submitters: Uncertain significance (2). 1 of the submissions does not count toward it. Last evaluated 2023-08-11.

Conditions:
Cardiovascular phenotype. Identifiers: MedGen CN230736.
Myopathy, myosin storage, autosomal recessive (CMYO7B). Also called: CONGENITAL MYOPATHY 7B, MYOSIN STORAGE, AUTOSOMAL RECESSIVE. Identifiers: Orphanet 636970, MedGen C1850709, MONDO:0009708, OMIM 255160.
Hypertrophic cardiomyopathy. Also called: HYPERTROPHIC MYOCARDIOPATHY. Identifiers: Orphanet 217569, MedGen C0007194, MeSH D002312, MONDO:0005045, HP:0001639.

Allele frequency attached by ClinVar (database versions not stated): gnomAD exomes 0.00001.

Submissions (3):

Ambry Genetics
Classification: Uncertain significance for Cardiovascular phenotype. Last evaluated: 2023-08-11. Review status: criteria provided, single submitter. Criteria: Ambry Variant Classification Scheme 2023. Collection method: clinical testing. Allele origin: germline.
Comment: The p.Q1567* variant (also known as c.4699C>T), located in coding exon 32 of the MYH7 gene, results from a C to T substitution at nucleotide position 4699. This changes the amino acid from a glutamine to a stop codon within coding exon 32. This alteration has been observed in trans with an additional alteration in MYH7 in an individual with concerns for skeletal myopathy (Beecroft SJ et al. Neuromuscul Disord, 2019 Jun;29:456-467). This alteration is expected to result in protein truncation or nonsense-mediated mRNA decay. However, loss of function of MYH7 has not been established as a mechanism of disease. Since supporting evidence is limited at this time, the clinical significance of this alteration remains unclear.

Labcorp Genetics (formerly Invitae), Labcorp
Classification: Uncertain significance for Hypertrophic cardiomyopathy. Last evaluated: 2020-09-15. Review status: criteria provided, single submitter. Criteria: Invitae Variant Classification Sherloc (09022015). Collection method: clinical testing. Allele origin: germline.
Comment: This variant has been observed in individual(s) with myopathy (PMID: 31130376). ClinVar contains an entry for this variant (Variation ID: 859961). In summary, the available evidence is currently insufficient to determine the role of this variant in disease. Therefore, it has been classified as a Variant of Uncertain Significance. The current clinical and genetic evidence is not sufficient to establish whether loss-of-function variants in MYH7 cause disease. This variant is not present in population databases (ExAC no frequency). This sequence change creates a premature translational stop signal (p.Gln1567*) in the MYH7 gene. It is expected to result in an absent or disrupted protein product.

OMIM
Classification: Pathogenic for CONGENITAL MYOPATHY 7B, MYOSIN STORAGE, AUTOSOMAL RECESSIVE. Last evaluated: 2024-07-16. Review status: no assertion criteria provided. Collection method: literature only. Allele origin: germline. Not counted in ClinVar's aggregate classification.

Literature cited by the submitters: PubMed 31130376 (cited by 3 submitters).